The following is an entry in ClinVar:

ClinVar aggregate classification (germline): Likely benign (1 of 4 stars; one submission).

gnomAD v4.1: 244 of 152,200 alleles (0.16%); highest among the groups gnomAD compares: African/African-American, 0.55%; 3 homozygotes.

Submission:

CeGaT Center for Human Genetics Tuebingen
Classification: Likely benign. Last evaluated: 2024-11-01. Review status: criteria provided, single submitter. Criteria: CeGaT Center For Human Genetics Tuebingen Variant Classification Criteria Version 2. Collection method: clinical testing. Allele origin: germline. Affected: yes. Observed: 1 variant allele.
Comment: GINS1: BS2

NM_021067.5(GINS1):c.447+1932C>T

Gene: GINS1 (GINS complex subunit 1; plus strand). Cytogenetic location: 20p11.21.
Variant type: single nucleotide variant.
Coding change: c.447+1932C>T on transcript NM_021067.5 (MANE Select); 1932 bases into the intron after coding-DNA position 447, C replaced by T.
Molecular consequence: intron variant.
Genome position (GRCh38, 1-based): chr20:25,427,259, C>T. VCF-style: chr20-25427259-C-T. GRCh37 (hg19) VCF-style: chr20-25407895-C-T.
Other names: c.330+9064C>T (NM_001410830.1); c.192+1932C>T (NM_001410831.1).
Identifiers: ClinVar variation 3389438 (VCV003389438.14).
Genomic context (GRCh38, chr20:25,427,259, plus strand): 5'-CTTGTCACCCAGGCTGGATGCAGTGGCGCGATCTCGGCTCAACCTGCAACCTCCACCTCC[C>T]AGGTTCACCTCAACTGCAACCTCCACCTCCCAGGTTCAAGTGATTCTCCTGCCTCAGCCT-3'